The following is an entry in ClinVar:

ClinVar aggregate classification (germline): Uncertain significance (1 of 4 stars; one submission).

Conditions:
Idiopathic generalized epilepsy. Also called: Generalised epilepsy; EIG. Identifiers: MedGen C0270850, MONDO:0005579, OMIM 600669.
Hyperaldosteronism, familial, type IV (HALD4). Also called: FH IV; ALDOSTERONISM, PRIMARY, AND HYPERTENSION. Identifiers: Orphanet 642671, MedGen C4310756, MONDO:0014875, OMIM 617027.

gnomAD v4.1: 2 of 1,530,948 alleles (0.00013%); highest among the groups gnomAD compares: African/African-American, 0.0014%; no homozygotes.

Submission:

Labcorp Genetics (formerly Invitae), Labcorp
Classification: Uncertain significance for Idiopathic generalized epilepsy; Hyperaldosteronism, familial, type IV. Last evaluated: 2022-07-09. Review status: criteria provided, single submitter. Criteria: Invitae Variant Classification Sherloc (09022015). Collection method: clinical testing. Allele origin: germline.
Comment: This sequence change replaces arginine, which is basic and polar, with glutamine, which is neutral and polar, at codon 2205 of the CACNA1H protein (p.Arg2205Gln). This variant is not present in population databases (gnomAD no frequency). This variant has not been reported in the literature in individuals affected with CACNA1H-related conditions. Advanced modeling of protein sequence and biophysical properties (such as structural, functional, and spatial information, amino acid conservation, physicochemical variation, residue mobility, and thermodynamic stability) performed at Invitae indicates that this missense variant is not expected to disrupt CACNA1H protein function. In summary, the available evidence is currently insufficient to determine the role of this variant in disease. Therefore, it has been classified as a Variant of Uncertain Significance.

NM_021098.3(CACNA1H):c.6614G>A (p.Arg2205Gln)

Gene: CACNA1H (calcium voltage-gated channel subunit alpha1 H; plus strand). Cytogenetic location: 16p13.3.
Variant type: single nucleotide variant.
Coding change: c.6614G>A on transcript NM_021098.3 (MANE Select); coding-DNA position 6614, G replaced by A.
Protein change: p.Arg2205Gln; replaces arginine 2205 with glutamine.
Molecular consequence: missense variant.
Genome position (GRCh38, 1-based): chr16:1,220,546, G>A. VCF-style: chr16-1220546-G-A. GRCh37 (hg19) VCF-style: chr16-1270546-G-A.
Other names: c.6596G>A, p.Arg2199Gln (NM_001005407.2); short protein forms R2199Q, R2205Q.
Identifiers: ClinVar variation 1975126 (VCV001975126.5), dbSNP rs967347672, ClinGen allele CA394150068.